The following is an entry in ClinVar:

NM_139076.3(ABRAXAS1):c.416TAA[1] (p.Ile140del)

Gene: ABRAXAS1 (abraxas 1, BRCA1 A complex subunit; minus strand). Cytogenetic location: 4q21.23.
Variant type: Microsatellite.
Coding change: c.416TAA[1] on transcript NM_139076.3 (MANE Select); one copy of the 3-base unit TAA starting at c.416; the reference has two copies in a row; one copy, 3 bases deleted.
Protein change: p.Ile140del; deletes isoleucine 140.
Molecular consequence: inframe deletion.
Genome position (GRCh38, 1-based): chr4:83,470,258-83,470,260, TTA deleted on the plus strand (TAA on the coding strand, the reverse complement: ABRAXAS1 is on the minus strand); deleting any 3 consecutive bases within chr4:83,470,258-83,470,264 gives the same sequence; the position shown is the placement nearest the transcript's 3' end. VCF-style (leftmost placement, unchanged base first): chr4-83470257-GTTA-G. GRCh37 (hg19) VCF-style: chr4-84391410-GTTA-G.
Other names: c.89TAA[1], p.Ile31del (NM_001345962.2); short protein forms I140del, I31del.
Identifiers: ClinVar variation 2720732 (VCV002720732.3), dbSNP rs758151655, ClinGen allele CA2990557.

ClinVar aggregate classification (germline): Uncertain significance (1 of 4 stars; one submission).

Submission:

Labcorp Genetics (formerly Invitae), Labcorp
Classification: Uncertain significance. Last evaluated: 2024-01-08. Review status: criteria provided, single submitter. Criteria: Invitae Variant Classification Sherloc (09022015). Collection method: clinical testing. Allele origin: germline.
Comment: This variant, c.419_421del, results in the deletion of 1 amino acid(s) of the ABRAXAS1 protein (p.Ile140del), but otherwise preserves the integrity of the reading frame. This variant is present in population databases (rs758151655, gnomAD 0.007%). This variant has not been reported in the literature in individuals affected with ABRAXAS1-related conditions. Experimental studies and prediction algorithms are not available or were not evaluated, and the functional significance of this variant is currently unknown. In summary, the available evidence is currently insufficient to determine the role of this variant in disease. Therefore, it has been classified as a Variant of Uncertain Significance.